The following is an entry in ClinVar:

ClinVar aggregate classification (germline): Conflicting classifications of pathogenicity. Review status: criteria provided, conflicting classifications (1 of 4 stars). 2 submissions from 2 submitters: Uncertain significance (1); Likely benign (1). Last evaluated 2025-11-09.

gnomAD v4.1: 34 of 1,583,504 alleles (0.0021%); highest among the groups gnomAD compares: Middle Eastern, 0.019%; no homozygotes.

Submissions (2):

Labcorp Genetics (formerly Invitae), Labcorp
Classification: Likely benign. Last evaluated: 2025-11-09. Review status: criteria provided, single submitter. Criteria: Invitae Variant Classification Sherloc (09022015). Collection method: clinical testing. Allele origin: germline.

CeGaT Center for Human Genetics Tuebingen
Classification: Uncertain significance. Last evaluated: 2025-10-01. Review status: criteria provided, single submitter. Criteria: CeGaT Center For Human Genetics Tuebingen Variant Classification Criteria Version 2. Collection method: clinical testing. Allele origin: germline. Affected: yes. Observed: 1 variant allele.
Comment: LAMA5: PM2, BP4

NM_005560.6(LAMA5):c.7867+7G>A

Gene: LAMA5 (laminin subunit alpha 5; minus strand). Cytogenetic location: 20q13.33.
Variant type: single nucleotide variant.
Coding change: c.7867+7G>A on transcript NM_005560.6 (MANE Select); 7 bases into the intron after coding-DNA position 7867, G replaced by A.
Molecular consequence: intron variant.
Genome position (GRCh38, 1-based): chr20:62,315,941, C>T on the plus strand (G>A on the coding strand, the complement: LAMA5 is on the minus strand). VCF-style: chr20-62315941-C-T. GRCh37 (hg19) VCF-style: chr20-60890997-C-T.
Identifiers: ClinVar variation 4534297 (VCV004534297.7).